The following is an entry in ClinVar:

NM_002444.3(MSN):c.430T>C (p.Ser144Pro)

Gene: MSN (moesin; plus strand). Cytogenetic location: Xq12.
Variant type: single nucleotide variant.
Coding change: c.430T>C on transcript NM_002444.3 (MANE Select); coding-DNA position 430, T replaced by C.
Protein change: p.Ser144Pro; replaces serine 144 with proline.
Molecular consequence: missense variant.
Genome position (GRCh38, 1-based): chrX:65,729,675, T>C. VCF-style: chrX-65729675-T-C. GRCh37 (hg19) VCF-style: chrX-64949537-T-C.
Other names: short protein forms S144P.
Identifiers: ClinVar variation 3624505 (VCV003624505.2).

ClinVar aggregate classification (germline): Uncertain significance (1 of 4 stars; one submission).

gnomAD v4.1: 7 of 1,209,753 alleles (0.00058%); highest among the groups gnomAD compares: African/African-American, 0.0052%; no homozygotes.

Submission:

Labcorp Genetics (formerly Invitae), Labcorp
Classification: Uncertain significance. Last evaluated: 2024-04-12. Review status: criteria provided, single submitter. Criteria: Invitae Variant Classification Sherloc (09022015). Collection method: clinical testing. Allele origin: germline.
Comment: This sequence change replaces serine, which is neutral and polar, with proline, which is neutral and non-polar, at codon 144 of the MSN protein (p.Ser144Pro). This variant is present in population databases (rs199526068, gnomAD 0.008%). This variant has not been reported in the literature in individuals affected with MSN-related conditions. An algorithm developed to predict the effect of missense changes on protein structure and function (PolyPhen-2) suggests that this variant is likely to be tolerated. In summary, the available evidence is currently insufficient to determine the role of this variant in disease. Therefore, it has been classified as a Variant of Uncertain Significance.